The following is an entry in ClinVar:

NM_000051.4(ATM):c.995A>T (p.Tyr332Phe)

Gene: ATM (ATM serine/threonine kinase; plus strand). Cytogenetic location: 11q22.3.
Variant type: single nucleotide variant.
Coding change: c.995A>T on transcript NM_000051.4 (MANE Select); coding-DNA position 995, A replaced by T.
Protein change: p.Tyr332Phe; replaces tyrosine 332 with phenylalanine.
Molecular consequence: missense variant.
Genome position (GRCh38, 1-based): chr11:108,247,057, A>T. VCF-style: chr11-108247057-A-T. GRCh37 (hg19) VCF-style: chr11-108117784-A-T.
Other names: c.995A>T, p.Tyr332Phe (NM_001351834.2); short protein forms Y332F.
Identifiers: ClinVar variation 407663 (VCV000407663.8), dbSNP rs1060501664, ClinGen allele CA16613307.

ClinVar aggregate classification (germline): Uncertain significance (1 of 4 stars; one submission).

Conditions:
Ataxia-telangiectasia syndrome (AT). Also called: Ataxia telangiectasia (A-T); LOUIS-BAR SYNDROME; Cerebello-oculocutaneous telangiectasia; Immunodeficiency with ataxia telangiectasia; Ataxia-telangiectasia, complementation group D; AT, COMPLEMENTATION GROUP C. Identifiers: Orphanet 100, MedGen C0004135, MONDO:0008840, OMIM 208900.

Submission:

Labcorp Genetics (formerly Invitae), Labcorp
Classification: Uncertain significance for Ataxia-telangiectasia syndrome. Last evaluated: 2017-05-11. Review status: criteria provided, single submitter. Criteria: Invitae Variant Classification Sherloc (09022015). Collection method: clinical testing. Allele origin: germline.
Comment: In summary, this variant has uncertain impact on ATM function. The available evidence is currently insufficient to determine its role in disease. Therefore, it has been classified as a Variant of Uncertain Significance. Algorithms developed to predict the effect of missense changes on protein structure and function do not agree on the potential impact of this missense change (SIFT: "Tolerated"; PolyPhen-2: "Possibly Damaging"; Align-GVGD: "Class C0"). This variant has not been reported in the literature in individuals with a ATM-related disease. ClinVar contains an entry for this variant (Variation ID: 407663). This variant is not present in population databases (ExAC no frequency). This sequence change replaces tyrosine with phenylalanine at codon 332 of the ATM protein (p.Tyr332Phe). The tyrosine residue is moderately conserved and there is a small physicochemical difference between tyrosine and phenylalanine.